The following is an entry in ClinVar:

ClinVar aggregate classification (germline): Pathogenic (1 of 4 stars; one submission).

Conditions:
Developmental and epileptic encephalopathy. Identifiers: MedGen C5779964, MONDO:0100620.

Submission:

Labcorp Genetics (formerly Invitae), Labcorp
Classification: Pathogenic for Early-infantile DEE. Last evaluated: 2020-12-13. Review status: criteria provided, single submitter. Criteria: Invitae Variant Classification Sherloc (09022015). Collection method: clinical testing. Allele origin: germline.
Comment: This sequence change creates a premature translational stop signal (p.Val806Phefs*12) in the SCN1A gene. It is expected to result in an absent or disrupted protein product. Loss-of-function variants in SCN1A are known to be pathogenic (PMID: 17347258, 18930999). This variant is not present in population databases (ExAC no frequency). This variant has not been reported in the literature in individuals with SCN1A-related conditions. Algorithms developed to predict the effect of sequence changes on RNA splicing suggest that this variant may disrupt the consensus splice site, but this prediction has not been confirmed by published transcriptional studies. For these reasons, this variant has been classified as Pathogenic.

Literature cited by the submitters: PubMed 17347258; PubMed 18930999.

NM_001165963.4(SCN1A):c.2415+1del

Gene: SCN1A (sodium voltage-gated channel alpha subunit 1; minus strand). Cytogenetic location: 2q24.3.
Variant type: Deletion.
Coding change: c.2415+1del on transcript NM_001165963.4 (MANE Select); the canonical splice donor site of the intron after coding-DNA position 2415, one base deleted (G; older notation c.2415+1delG).
Molecular consequence: splice donor variant. On other transcripts: 5 prime UTR variant (1).
Genome position (GRCh38, 1-based): chr2:166,041,230, C deleted on the plus strand (G on the coding strand, the reverse complement: SCN1A is on the minus strand); the first of 2 consecutive C bases (chr2:166,041,230-166,041,231); deleting either gives the same sequence. VCF-style (leftmost placement, unchanged base first): chr2-166041229-AC-A. GRCh37 (hg19) VCF-style: chr2-166897739-AC-A.
Other names: c.-43del (NM_001353961.2); c.2382+1del (NM_001353949.2, NM_001353950.2, NM_001353951.2 and 2 more transcripts); c.2331+1del (NM_001353958.2, NM_001353957.2, NM_001165964.3); c.2415+1del (NM_001202435.3, NM_001353948.2); c.2379+1del (NM_001353955.2, NM_001353954.2); c.2328+1del (NM_001353960.2).
Identifiers: ClinVar variation 1448729 (VCV001448729.2), dbSNP rs2105827235, ClinGen allele CA2573133506.